The following is an entry in ClinVar:

ClinVar aggregate classification (germline): Uncertain significance (1 of 4 stars; one submission).

Allele frequency attached by ClinVar (database versions not stated): ESP Exome Variant Server 0.00008.

Submission:

Labcorp Genetics (formerly Invitae), Labcorp
Classification: Uncertain significance. Last evaluated: 2024-01-31. Review status: criteria provided, single submitter. Criteria: Invitae Variant Classification Sherloc (09022015). Collection method: clinical testing. Allele origin: germline.
Comment: This sequence change replaces methionine, which is neutral and non-polar, with isoleucine, which is neutral and non-polar, at codon 1977 of the CACNA1B protein (p.Met1977Ile). This variant is not present in population databases (gnomAD no frequency). This variant has not been reported in the literature in individuals affected with CACNA1B-related conditions. ClinVar contains an entry for this variant (Variation ID: 2124871). Advanced modeling of protein sequence and biophysical properties (such as structural, functional, and spatial information, amino acid conservation, physicochemical variation, residue mobility, and thermodynamic stability) performed at Invitae indicates that this missense variant is not expected to disrupt CACNA1B protein function with a negative predictive value of 80%. In summary, the available evidence is currently insufficient to determine the role of this variant in disease. Therefore, it has been classified as a Variant of Uncertain Significance.

NM_000718.4(CACNA1B):c.5931G>A (p.Met1977Ile)

Gene: CACNA1B (calcium voltage-gated channel subunit alpha1 B; plus strand). Cytogenetic location: 9q34.3.
Variant type: single nucleotide variant.
Coding change: c.5931G>A on transcript NM_000718.4 (MANE Select); coding-DNA position 5931, G replaced by A.
Protein change: p.Met1977Ile; replaces methionine 1977 with isoleucine.
Molecular consequence: missense variant.
Genome position (GRCh38, 1-based): chr9:138,118,669, G>A. VCF-style: chr9-138118669-G-A. GRCh37 (hg19) VCF-style: chr9-141013121-G-A.
Other names: c.5931G>A, p.Met1977Ile (NM_001243812.2); short protein forms M1977I.
Identifiers: ClinVar variation 2124871 (VCV002124871.4), dbSNP rs375356285, ClinGen allele CA5377550.